The following is an entry in ClinVar:

ClinVar aggregate classification (germline): Likely pathogenic. Review status: criteria provided, multiple submitters, no conflicts (2 of 4 stars). 3 submissions from 3 submitters: Likely pathogenic (2). 1 of the submissions does not count toward it. Last evaluated 2024-01-18.

Conditions:
Usher syndrome type 1F (USH1F). Also called: USHER SYNDROME, TYPE IF. Identifiers: Orphanet 231169, Orphanet 886, MedGen C1865885, MONDO:0011186, OMIM 602083.

Allele frequency attached by ClinVar (database versions not stated): gnomAD exomes below 0.00001; ExAC 0.00001.
gnomAD v4.1: 1 of 1,613,774 alleles (0.000062%); highest among the groups gnomAD compares: Non-Finnish European, 0.000085%; no homozygotes.

Submissions (3):

Labcorp Genetics (formerly Invitae), Labcorp
Classification: Likely pathogenic. Last evaluated: 2024-01-18. Review status: criteria provided, single submitter. Criteria: Invitae Variant Classification Sherloc (09022015). Collection method: clinical testing. Allele origin: germline.
Comment: This sequence change affects an acceptor splice site in intron 12 of the PCDH15 gene. It is expected to disrupt RNA splicing. Variants that disrupt the donor or acceptor splice site typically lead to a loss of protein function (PMID: 16199547), and loss-of-function variants in PCDH15 are known to be pathogenic (PMID: 11398101, 11487575, 14570705). This variant is present in population databases (rs758482449, gnomAD 0.0009%). This variant has not been reported in the literature in individuals affected with PCDH15-related conditions. ClinVar contains an entry for this variant (Variation ID: 861253). Algorithms developed to predict the effect of sequence changes on RNA splicing suggest that this variant may disrupt the consensus splice site. In summary, the currently available evidence indicates that the variant is pathogenic, but additional data are needed to prove that conclusively. Therefore, this variant has been classified as Likely Pathogenic.

Broad Center for Mendelian Genomics, Broad Institute of MIT and Harvard
Classification: Likely pathogenic for Usher syndrome type 1F. Last evaluated: 2023-01-24. Review status: criteria provided, single submitter. Criteria: ACMG Guidelines, 2015. Collection method: curation. Allele origin: germline. Inheritance: Autosomal recessive inheritance.
Comment: The c.1441-2A>C variant in PCDH15 has not been previously reported in the literature in individuals with Usher syndrome type 1F but has been identified in 0.0009% (1/113636) of European (non-Finnish) chromosomes by the Genome Aggregation Database (gnomAD; dbSNP ID: rs758482449). Although this variant has been seen in the general population in a heterozygous state, its frequency is low enough to be consistent with a recessive carrier frequency. This variant has also been reported in ClinVar (Variation ID#: 861253) and has been interpreted as likely pathogenic by Natera, Inc. and Invitae. This variant is located in the 5' splice region. Computational tools predict a splicing impact through use of an out of frame cryptic splice site, though this information is not predictive enough to determine pathogenicity. In summary, although additional studies are required to fully establish its clinical significance, this variant is likely pathogenic for autosomal recessive Usher syndrome type 1F. ACMG/AMP Criteria applied: PM2, PVS1 (Richards 2015).

Natera, Inc.
Classification: Likely pathogenic for Usher syndrome type 1F. Last evaluated: 2020-12-04. Review status: no assertion criteria provided. Collection method: clinical testing. Allele origin: germline. Not counted in ClinVar's aggregate classification.

Literature cited by the submitters: PubMed 16199547 (cited by Labcorp Genetics (formerly Invitae), Labcorp); PubMed 11398101 (cited by Labcorp Genetics (formerly Invitae), Labcorp); PubMed 11487575 (cited by Labcorp Genetics (formerly Invitae), Labcorp); PubMed 14570705 (cited by Labcorp Genetics (formerly Invitae), Labcorp).

NM_001384140.1(PCDH15):c.1441-2A>C

Gene: PCDH15 (protocadherin related 15; minus strand). Cytogenetic location: 10q21.1.
Variant type: single nucleotide variant.
Coding change: c.1441-2A>C on transcript NM_001384140.1 (MANE Select); the canonical splice acceptor site of the intron before coding-DNA position 1441, A replaced by C.
Molecular consequence: splice acceptor variant.
Genome position (GRCh38, 1-based): chr10:54,183,595, T>G on the plus strand (A>C on the coding strand, the complement: PCDH15 is on the minus strand). VCF-style: chr10-54183595-T-G. GRCh37 (hg19) VCF-style: chr10-55943355-T-G.
Other names: c.1375-2A>C (NM_001142773.2, NM_001142768.2, NM_001354404.2); c.1330-2A>C (NM_001142767.2); c.1441-2A>C (NM_001142765.2, NM_001142766.2, NM_033056.4 and 6 more transcripts); c.1456-2A>C (NM_001142763.2, NM_001142771.2); c.1462-2A>C (NM_001354411.2); c.1477-2A>C (NM_001142769.3).
Identifiers: ClinVar variation 861253 (VCV000861253.14), dbSNP rs758482449, ClinGen allele CA5506367.